The following is an entry in ClinVar:

ClinVar aggregate classification (germline): Benign (1 of 4 stars; one submission).

Conditions:
Macular corneal dystrophy (MCD). Also called: GROENOUW TYPE II CORNEAL DYSTROPHY; Macular corneal dystrophy Type I. Identifiers: Orphanet 98969, MedGen C1636149, MONDO:0009020, OMIM 217800.

Allele frequency attached by ClinVar (database versions not stated): gnomAD exomes 0.00210; 1000 Genomes Project 0.01877; gnomAD 0.01902 and 0.02061; 1000 Genomes Project 30x 0.02014; TOPMed 0.02120.
gnomAD v4.1: 3,452 of 396,234 alleles (0.87%); highest among the groups gnomAD compares: African/African-American, 6.3%; 99 homozygotes.

Submission:

Illumina Laboratory Services, Illumina
Classification: Benign for Macular corneal dystrophy. Last evaluated: 2018-01-12. Review status: criteria provided, single submitter. Criteria: ICSL Variant Classification Criteria 13 December 2019. Collection method: clinical testing. Allele origin: germline.
Comment: This variant was observed in the ICSL laboratory as part of a predisposition screen in an ostensibly healthy population. It had not been previously curated by ICSL or reported in the Human Gene Mutation Database (HGMD: prior to June 1st, 2018), and was therefore a candidate for classification through an automated scoring system. Utilizing variant allele frequency, disease prevalence and penetrance estimates, and inheritance mode, an automated score was calculated to assess if this variant is too frequent to cause the disease. Based on the score and internal cut-off values, a variant classified as benign is not then subjected to further curation. The score for this variant resulted in a classification of benign for this disease.

NM_021615.5(CHST6):c.*3828A>T

Gene: CHST6 (carbohydrate sulfotransferase 6; minus strand). Cytogenetic location: 16q23.1.
Variant type: single nucleotide variant.
Coding change: c.*3828A>T on transcript NM_021615.5 (MANE Select); 3828 bases downstream of the stop codon, A replaced by T.
Molecular consequence: 3 prime UTR variant.
Genome position (GRCh38, 1-based): chr16:75,474,813, T>A on the plus strand (A>T on the coding strand, the complement: CHST6 is on the minus strand). VCF-style: chr16-75474813-T-A. GRCh37 (hg19) VCF-style: chr16-75508711-T-A.
Identifiers: ClinVar variation 320526 (VCV000320526.5), dbSNP rs56769615, ClinGen allele CA10648954.